The following is an entry in ClinVar:

Conditions:
Breast-ovarian cancer, familial, susceptibility to, 1 (BROVCA1). Also called: BRCA1 Hereditary Breast and Ovarian Cancer; OVARIAN CANCER, SUSCEPTIBILITY TO. Identifiers: Orphanet 145, MedGen C2676676, MONDO:0011450, OMIM 604370. Disease mechanism: loss of function.

Submission:

Brotman Baty Institute, University of Washington
No classification provided (evidence only). Condition: Breast-ovarian cancer, familial 1. Review status: no classification provided. Collection method: in vitro. Allele origin: not applicable. Functional consequence: functionally_normal.
ClinVar note: "not provided" was previously submitted as the classification for the variant. However, the classification appeared to be based only on an observation of functional data so it was converted to no classification on 2025-07-30.

NM_007294.4(BRCA1):c.5333-4T>A

Gene: BRCA1 (BRCA1 DNA repair associated; minus strand). Cytogenetic location: 17q21.31.
Variant type: single nucleotide variant.
Coding change: c.5333-4T>A on transcript NM_007294.4 (MANE Select); 4 bases into the intron before coding-DNA position 5333, T replaced by A.
Molecular consequence: intron variant.
Genome position (GRCh38, 1-based): chr17:43,049,198, A>T on the plus strand (T>A on the coding strand, the complement: BRCA1 is on the minus strand). VCF-style: chr17-43049198-A-T. GRCh37 (hg19) VCF-style: chr17-41201215-A-T.
Other names: c.1880-4T>A (NM_001408458.1, NM_001408461.1, NM_001408464.1 and 7 more transcripts); c.4442-4T>A (NM_001407967.1); c.4952-4T>A (NM_001407959.1); c.5066-4T>A (NM_001407931.1, NM_001407932.1, NM_001407928.1 and 4 more transcripts); c.5189-4T>A (NM_001407747.1, NM_001407745.1, NM_001407737.1 and 18 more transcripts); c.4949-4T>A (NM_001407962.1, NM_001407960.1); c.1520-4T>A (NM_001408512.1); c.1643-4T>A (NM_001408510.1); and 84 more.
Identifiers: ClinVar variation 868019 (VCV000868019.3), dbSNP rs2051098272, ClinGen allele CA916080887.